The following is an entry in ClinVar:

NM_002941.4(ROBO1):c.1501C>T (p.Arg501Ter)

Gene: ROBO1 (roundabout guidance receptor 1; minus strand). Cytogenetic location: 3p12.3.
Variant type: single nucleotide variant.
Coding change: c.1501C>T on transcript NM_002941.4 (MANE Select); coding-DNA position 1501, C replaced by T.
Protein change: p.Arg501Ter; replaces arginine 501 with a stop codon.
Molecular consequence: nonsense.
Genome position (GRCh38, 1-based): chr3:78,670,143, G>A on the plus strand (C>T on the coding strand, the complement: ROBO1 is on the minus strand). VCF-style: chr3-78670143-G-A. GRCh37 (hg19) VCF-style: chr3-78719293-G-A.
Other names: c.1501C>T (NM_002941.3); c.1393C>T, p.Arg465Ter (NM_001145844.1, NM_001145845.2, NM_133631.4); short protein forms R465*, R501*.
Identifiers: ClinVar variation 2690687 (VCV002690687.4), dbSNP rs774218793, ClinGen allele CA2498955.

ClinVar aggregate classification (germline): Likely pathogenic. Review status: criteria provided, multiple submitters, no conflicts (2 of 4 stars). 2 submissions from 2 submitters: Likely pathogenic (2). Last evaluated 2025-12-04.

Allele frequency attached by ClinVar (database versions not stated): gnomAD exomes below 0.00001; TOPMed below 0.00001; ExAC 0.00001.
gnomAD v4.1: 3 of 1,613,414 alleles (0.00019%); highest among the groups gnomAD compares: Non-Finnish European, 0.00025%; no homozygotes.

Submissions (2):

GeneDx
Classification: Likely pathogenic. Last evaluated: 2025-12-04. Review status: criteria provided, single submitter. Criteria: GeneDx Variant Classification Process June 2021. Collection method: clinical testing. Allele origin: germline.
Comment: Nonsense variant predicted to result in protein truncation or nonsense mediated decay in a gene for which loss of function is a known mechanism of disease; Not observed at significant frequency in large population cohorts (gnomAD); Has not been previously published as pathogenic or benign to our knowledge

Revvity Omics, Revvity
Classification: Likely pathogenic. Last evaluated: 2023-03-14. Review status: criteria provided, single submitter. Criteria: ACMG Guidelines, 2015. Collection method: clinical testing. Allele origin: germline.